The following is an entry in ClinVar:

ClinVar aggregate classification (germline): Uncertain significance (1 of 4 stars; one submission).

Allele frequency attached by ClinVar (database versions not stated): gnomAD exomes 0.00001 and below 0.00001; gnomAD 0.00001; TOPMed 0.00001.
gnomAD v4.1: 8 of 1,613,984 alleles (0.0005%); highest among the groups gnomAD compares: Non-Finnish European, 0.00068%; no homozygotes.

Submission:

Labcorp Genetics (formerly Invitae), Labcorp
Classification: Uncertain significance. Last evaluated: 2025-09-02. Review status: criteria provided, single submitter. Criteria: Invitae Variant Classification Sherloc (09022015). Collection method: clinical testing. Allele origin: germline.
Comment: This sequence change replaces isoleucine, which is neutral and non-polar, with threonine, which is neutral and polar, at codon 202 of the RDH5 protein (p.Ile202Thr). The frequency data for this variant in the population databases is considered unreliable, as metrics indicate poor data quality at this position in the gnomAD database. This variant has not been reported in the literature in individuals affected with RDH5-related conditions. ClinVar contains an entry for this variant (Variation ID: 1475506). Invitae Evidence Modeling of protein sequence and biophysical properties (such as structural, functional, and spatial information, amino acid conservation, physicochemical variation, residue mobility, and thermodynamic stability) indicates that this missense variant is not expected to disrupt RDH5 protein function with a negative predictive value of 80%. In summary, the available evidence is currently insufficient to determine the role of this variant in disease. Therefore, it has been classified as a Variant of Uncertain Significance.

NM_002905.5(RDH5):c.605T>C (p.Ile202Thr)

Genes: BLOC1S1-RDH5 (BLOC1S1-RDH5 readthrough; plus strand), CD63 (CD63 molecule; minus strand), RDH5 (retinol dehydrogenase 5; plus strand). Cytogenetic location: 12q13.2.
Variant type: single nucleotide variant.
Coding change: c.605T>C on transcript NM_002905.5 (MANE Select); coding-DNA position 605, T replaced by C.
Protein change: p.Ile202Thr; replaces isoleucine 202 with threonine.
Molecular consequence: missense variant. On other transcripts: non-coding transcript variant (1).
Genome position (GRCh38, 1-based): chr12:55,723,921, T>C. VCF-style: chr12-55723921-T-C. GRCh37 (hg19) VCF-style: chr12-56117705-T-C.
Other names: c.605T>C, p.Ile202Thr (NM_001199771.3); short protein forms I202T.
Identifiers: ClinVar variation 1475506 (VCV001475506.6), dbSNP rs906391605, ClinGen allele CA237594810.
Genomic context (GRCh38, chr12:55,723,921, plus strand): 5'-CAACTTCGCTCTGCCCCGACTCTAGGCGGGATGTAGCTCATTTTGGGATACGAGTCTCCA[T>C]CGTGGAGCCTGGCTTCTTCCGAACCCCTGTGACCAACCTGGAGAGTCTGGAGAAAACCCT-3'
Protein context (NP_002896.2, residues 192-212): DVAHFGIRVS[Ile202Thr]VEPGFFRTPV